The following is an entry in ClinVar:

NM_020987.5(ANK3):c.10376T>A (p.Phe3459Tyr)

Gene: ANK3 (ankyrin 3; minus strand). Cytogenetic location: 10q21.2.
Variant type: single nucleotide variant.
Coding change: c.10376T>A on transcript NM_020987.5 (MANE Select); coding-DNA position 10376, T replaced by A.
Protein change: p.Phe3459Tyr; replaces phenylalanine 3459 with tyrosine.
Molecular consequence: missense variant. On other transcripts: intron variant (4).
Genome position (GRCh38, 1-based): chr10:60,070,505, A>T on the plus strand (T>A on the coding strand, the complement: ANK3 is on the minus strand). VCF-style: chr10-60070505-A-T. GRCh37 (hg19) VCF-style: chr10-61830263-A-T.
Other names: c.4388-2496T>A (NM_001204403.2); c.4409-2496T>A (NM_001204404.2); c.4406-2496T>A (NM_001320874.2); c.1808-2496T>A (NM_001149.4); short protein forms F3459Y.
Identifiers: ClinVar variation 4087865 (VCV004087865.1).

ClinVar aggregate classification (germline): Uncertain significance (1 of 4 stars; one submission).

Submission:

GeneDx
Classification: Uncertain significance. Last evaluated: 2025-03-24. Review status: criteria provided, single submitter. Criteria: GeneDx Variant Classification Process June 2021. Collection method: clinical testing. Allele origin: germline. Affected: yes.
Comment: Not observed at significant frequency in large population cohorts (gnomAD); In silico analysis indicates that this missense variant does not alter protein structure/function; Has not been previously published as pathogenic or benign to our knowledge